The following is an entry in ClinVar:

ClinVar aggregate classification (germline): Benign (1 of 4 stars; one submission).

Conditions:
Von Hippel-Lindau syndrome (VHLS). Also called: Von Hippel-Lindau; VHL syndrome; von Hippel–Lindau syndrome. Identifiers: Orphanet 892, MedGen C0019562, MONDO:0008667, OMIM 193300. Disease mechanism: loss of function.

Allele frequency attached by ClinVar (database versions not stated): gnomAD exomes 0.00081; gnomAD 0.00595 and 0.00641; 1000 Genomes Project 0.00679; TOPMed 0.00699; 1000 Genomes Project 30x 0.00765.
gnomAD v4.1: 948 of 207,160 alleles (0.46%); highest among the groups gnomAD compares: African/African-American, 2%; 13 homozygotes.

Submission:

Illumina Laboratory Services, Illumina
Classification: Benign for Von Hippel-Lindau syndrome. Last evaluated: 2018-01-13. Review status: criteria provided, single submitter. Criteria: ICSL Variant Classification Criteria 13 December 2019. Collection method: clinical testing. Allele origin: germline.
Comment: This variant was observed in the ICSL laboratory as part of a predisposition screen in an ostensibly healthy population. It had not been previously curated by ICSL or reported in the Human Gene Mutation Database (HGMD: prior to June 1st, 2018), and was therefore a candidate for classification through an automated scoring system. Utilizing variant allele frequency, disease prevalence and penetrance estimates, and inheritance mode, an automated score was calculated to assess if this variant is too frequent to cause the disease. Based on the score and internal cut-off values, a variant classified as benign is not then subjected to further curation. The score for this variant resulted in a classification of benign for this disease.

NM_000551.4(VHL):c.*1759A>G

Genes: VHL (von Hippel-Lindau tumor suppressor; plus strand), LOC107303340 (3p25 von Hippel-Lindau tumor suppressor, E3 ubiquitin protein ligase Alu-mediated recombination region; plus strand). Cytogenetic location: 3p25.3.
Variant type: single nucleotide variant.
Coding change: c.*1759A>G on transcript NM_000551.4 (MANE Select); 1759 bases downstream of the stop codon, A replaced by G.
Molecular consequence: 3 prime UTR variant.
Genome position (GRCh38, 1-based): chr3:10,151,724, A>G. VCF-style: chr3-10151724-A-G. GRCh37 (hg19) VCF-style: chr3-10193408-A-G.
Other names: c.*1955A>G (NM_001354723.2); c.*1759A>G (NM_198156.3).
Identifiers: ClinVar variation 899554 (VCV000899554.4), dbSNP rs114732761, ClinGen allele CA70053960.